The following is an entry in ClinVar:

ClinVar aggregate classification (germline): Uncertain significance (1 of 4 stars; one submission).

Submission:

Labcorp Genetics (formerly Invitae), Labcorp
Classification: Uncertain significance. Last evaluated: 2023-03-23. Review status: criteria provided, single submitter. Criteria: Invitae Variant Classification Sherloc (09022015). Collection method: clinical testing. Allele origin: germline.
Comment: In summary, the available evidence is currently insufficient to determine the role of this variant in disease. Therefore, it has been classified as a Variant of Uncertain Significance. An algorithm developed to predict the effect of missense changes on protein structure and function (PolyPhen-2) suggests that this variant is likely to be disruptive. This variant has not been reported in the literature in individuals affected with CHD8-related conditions. This variant is not present in population databases (gnomAD no frequency). This sequence change replaces alanine, which is neutral and non-polar, with serine, which is neutral and polar, at codon 156 of the CHD8 protein (p.Ala156Ser).

NM_001170629.2(CHD8):c.466G>T (p.Ala156Ser)

Gene: CHD8 (chromodomain helicase DNA binding protein 8; minus strand). Cytogenetic location: 14q11.2.
Variant type: single nucleotide variant.
Coding change: c.466G>T on transcript NM_001170629.2 (MANE Select); coding-DNA position 466, G replaced by T.
Protein change: p.Ala156Ser; replaces alanine 156 with serine.
Molecular consequence: missense variant. On other transcripts: intron variant (1).
Genome position (GRCh38, 1-based): chr14:21,431,178, C>A on the plus strand (G>T on the coding strand, the complement: CHD8 is on the minus strand). VCF-style: chr14-21431178-C-A. GRCh37 (hg19) VCF-style: chr14-21899337-C-A.
Other names: c.6+633G>T (NM_020920.4); short protein forms A156S.
Identifiers: ClinVar variation 3011230 (VCV003011230.3), dbSNP rs2502015414, ClinGen allele CA388888380.